The following is an entry in ClinVar:

ClinVar aggregate classification (germline): Uncertain significance (1 of 4 stars; one submission).

Conditions:
Spondyloepimetaphyseal dysplasia, PAPSS2 type. Also called: SEMD, PAKISTANI TYPE; BRACHYOLMIA TYPE 4 WITH MILD EPIPHYSEAL AND METAPHYSEAL CHANGES; SPONDYLODYSPLASIA AND PREMATURE PUBARCHE. Identifiers: Orphanet 93282, MedGen C2748516, MONDO:0019666, OMIM 612847.

gnomAD v4.1: 2 of 325,654 alleles (0.00061%); highest among the groups gnomAD compares: Non-Finnish European, 0.00049%; no homozygotes.

Submission:

Labcorp Genetics (formerly Invitae), Labcorp
Classification: Uncertain significance for Spondyloepimetaphyseal dysplasia, PAPSS2 type. Last evaluated: 2022-08-16. Review status: criteria provided, single submitter. Criteria: Invitae Variant Classification Sherloc (09022015). Collection method: clinical testing. Allele origin: germline.
Comment: In summary, the available evidence is currently insufficient to determine the role of this variant in disease. Therefore, it has been classified as a Variant of Uncertain Significance. Variants that disrupt the consensus splice site are a relatively common cause of aberrant splicing (PMID: 17576681, 9536098). Algorithms developed to predict the effect of sequence changes on RNA splicing suggest that this variant may create or strengthen a splice site. ClinVar contains an entry for this variant (Variation ID: 1362926). This variant has not been reported in the literature in individuals affected with PAPSS2-related conditions. The frequency data for this variant in the population databases is considered unreliable, as metrics indicate poor data quality at this position in the gnomAD database. This sequence change falls in intron 3 of the PAPSS2 gene. It does not directly change the encoded amino acid sequence of the PAPSS2 protein. It affects a nucleotide within the consensus splice site.

Literature cited by the submitters: PubMed 17576681; PubMed 9536098.

NM_001015880.2(PAPSS2):c.381+3A>G

Gene: PAPSS2 (3'-phosphoadenosine 5'-phosphosulfate synthase 2; plus strand). Cytogenetic location: 10q23.31.
Variant type: single nucleotide variant.
Coding change: c.381+3A>G on transcript NM_001015880.2 (MANE Select); 3 bases into the intron after coding-DNA position 381, A replaced by G.
Molecular consequence: intron variant.
Genome position (GRCh38, 1-based): chr10:87,713,313, A>G. VCF-style: chr10-87713313-A-G. GRCh37 (hg19) VCF-style: chr10-89473070-A-G.
Other names: c.381+3A>G (NM_004670.4).
Identifiers: ClinVar variation 1362926 (VCV001362926.6), dbSNP rs773039134, ClinGen allele CA5589418.